The following is an entry in ClinVar:

NM_006279.5(ST3GAL3):c.252A>G (p.Gly84=)

Gene: ST3GAL3 (ST3 beta-galactoside alpha-2,3-sialyltransferase 3; plus strand). Cytogenetic location: 1p34.1.
Variant type: single nucleotide variant.
Coding change: c.252A>G on transcript NM_006279.5 (MANE Select); coding-DNA position 252, A replaced by G.
Protein change: p.Gly84=; no amino-acid change (glycine 84 retained).
Molecular consequence: synonymous variant. On other transcripts: 5 prime UTR variant (1), non-coding transcript variant (7), intron variant (2).
Genome position (GRCh38, 1-based): chr1:43,838,261, A>G. VCF-style: chr1-43838261-A-G. GRCh37 (hg19) VCF-style: chr1-44303933-A-G.
Other names: c.252A>G, p.Gly84= (NM_001270459.2, NM_001350620.2, NM_174966.4 and 1 more transcripts); c.204A>G, p.Gly68= (NM_001270461.3, NM_001270464.3, NM_001270466.3 and 3 more transcripts); c.249A>G, p.Gly83= (NM_001270463.3, NM_001270465.3); c.297A>G, p.Gly99= (NM_001350619.2, NM_174964.4, NM_174965.4); c.-202A>G (NM_001350621.2); c.414A>G, p.Gly138= (NM_001363573.2, NM_174968.5); c.459A>G, p.Gly153= (NM_174963.5); c.366A>G, p.Gly122= (NM_174971.5); and 2 more.
Identifiers: ClinVar variation 3026619 (VCV003026619.22), dbSNP rs2522899482, ClinGen allele CA417509577.

ClinVar aggregate classification (germline): Likely benign (1 of 4 stars; one submission).

Submission:

CeGaT Center for Human Genetics Tuebingen
Classification: Likely benign. Last evaluated: 2023-12-01. Review status: criteria provided, single submitter. Criteria: CeGaT Center For Human Genetics Tuebingen Variant Classification Criteria Version 2. Collection method: clinical testing. Allele origin: germline. Affected: yes. Observed: 1 variant allele.
Comment: ST3GAL3: PM2:Supporting, BP4, BP7